The following is an entry in ClinVar:

ClinVar aggregate classification (germline): Pathogenic (1 of 4 stars; one submission).

Conditions:
Cystic fibrosis (CF). Also called: MUCOVISCIDOSIS. Identifiers: Orphanet 586, MedGen C0010674, MONDO:0009061, OMIM 219700. Disease mechanism: loss of function.

Submission:

Women's Health and Genetics/Laboratory Corporation of America, LabCorp
Classification: Pathogenic for Cystic fibrosis. Last evaluated: 2025-01-20. Review status: criteria provided, single submitter. Criteria: LabCorp Variant Classification Summary - May 2015. Collection method: clinical testing. Allele origin: germline.
Comment: Variant summary: CFTR c.1345G>T (p.Glu449X) results in a premature termination codon, predicted to cause a truncation of the encoded protein or absence of the protein due to nonsense mediated decay, which are commonly known mechanisms for disease. The variant was absent in 243800 control chromosomes. To our knowledge, no occurrence of c.1345G>T in individuals affected with Cystic Fibrosis and no experimental evidence demonstrating its impact on protein function have been reported. No submitters have cited clinical-significance assessments for this variant to ClinVar. Based on the evidence outlined above, the variant was classified as pathogenic.

NM_000492.4(CFTR):c.1345G>T (p.Glu449Ter)

Genes: CFTR (CF transmembrane conductance regulator; plus strand), CFTR-AS1 (CFTR antisense RNA 1; minus strand). Cytogenetic location: 7q31.2.
Variant type: single nucleotide variant.
Coding change: c.1345G>T on transcript NM_000492.4 (MANE Select); coding-DNA position 1345, G replaced by T.
Protein change: p.Glu449Ter; replaces glutamic acid 449 with a stop codon.
Molecular consequence: nonsense.
Genome position (GRCh38, 1-based): chr7:117,548,776, G>T. VCF-style: chr7-117548776-G-T. GRCh37 (hg19) VCF-style: chr7-117188830-G-T.
Other names: short protein forms E449*.
Identifiers: ClinVar variation 3769536 (VCV003769536.2).